The following is an entry in ClinVar:

ClinVar aggregate classification (germline): Pathogenic (1 of 4 stars; one submission).

Conditions:
Joubert syndrome and related disorders. Identifiers: Orphanet 140874, MedGen C5679612, MONDO:0015369.

Submission:

Myriad Genetics, Inc.
Classification: Pathogenic for Joubert syndrome and related disorders. Last evaluated: 2026-01-18. Review status: criteria provided, single submitter. Criteria: Myriad Autosomal Dominant, Autosomal Recessive and X-Linked Classification Criteria (2023). Collection method: clinical testing. Allele origin: unknown.
Comment: NM_001080522.2(CC2D2A):c.2822_2824delTATinsAA(V941Efs*14) is expected to be pathogenic in the context of CC2D2A-related disorders. This variant is predicted to lead to an abnormal or absent protein product due to the creation of a premature termination codon in CC2D2A, a gene where loss-of-function variants are known to be pathogenic. Please note: this variant was assessed in the context of healthy population screening.

NM_001378615.1(CC2D2A):c.2822_2824delinsAA (p.Val941fs)

Genes: CC2D2A (coiled-coil and C2 domain containing 2A; plus strand), FBXL5 (F-box and leucine rich repeat protein 5; minus strand). Cytogenetic location: 4p15.32.
Variant type: Indel.
Coding change: c.2822_2824delinsAA on transcript NM_001378615.1 (MANE Select); coding-DNA positions 2822 to 2824, TAT replaced by AA.
Protein change: p.Val941fs; shifts the reading frame from valine 941.
Molecular consequence: frameshift variant.
Genome position (GRCh38, 1-based): chr4:15,557,500-15,557,502, TAT replaced by AA. VCF-style: chr4-15557500-TAT-AA. GRCh37 (hg19) VCF-style: chr4-15559123-TAT-AA.
Other names: c.2822_2824delinsAA, p.Val941fs (NM_001080522.2); c.2675_2677delinsAA, p.Val892fs (NM_001378617.1); short protein forms V892fs, V941fs.
Identifiers: ClinVar variation 5015437 (VCV005015437.1).